The following is an entry in ClinVar:

ClinVar aggregate classification (germline): Uncertain significance (1 of 4 stars; one submission).

Conditions:
Kabuki syndrome. Also called: NIIKAWA-KUROKI SYNDROME; Kabuki make-up syndrome. Identifiers: Orphanet 2322, MedGen C0796004, MONDO:0016512.

gnomAD v4.1: 1 of 1,613,492 alleles (0.000062%); highest among the groups gnomAD compares: Non-Finnish European, 0.000085%; no homozygotes.

Submission:

Labcorp Genetics (formerly Invitae), Labcorp
Classification: Uncertain significance for Kabuki syndrome. Last evaluated: 2024-07-01. Review status: criteria provided, single submitter. Criteria: Invitae Variant Classification Sherloc (09022015). Collection method: clinical testing. Allele origin: germline.
Comment: This sequence change replaces arginine, which is basic and polar, with glycine, which is neutral and non-polar, at codon 2099 of the KMT2D protein (p.Arg2099Gly). This variant is present in population databases (no rsID available, gnomAD 0.007%). This variant has not been reported in the literature in individuals affected with KMT2D-related conditions. Advanced modeling of protein sequence and biophysical properties (such as structural, functional, and spatial information, amino acid conservation, physicochemical variation, residue mobility, and thermodynamic stability) performed at Invitae indicates that this missense variant is not expected to disrupt KMT2D protein function with a negative predictive value of 95%. In summary, the available evidence is currently insufficient to determine the role of this variant in disease. Therefore, it has been classified as a Variant of Uncertain Significance.

NM_003482.4(KMT2D):c.6295C>G (p.Arg2099Gly)

Gene: KMT2D (lysine methyltransferase 2D; minus strand). Cytogenetic location: 12q13.12.
Variant type: single nucleotide variant.
Coding change: c.6295C>G on transcript NM_003482.4 (MANE Select); coding-DNA position 6295, C replaced by G.
Protein change: p.Arg2099Gly; replaces arginine 2099 with glycine.
Molecular consequence: missense variant.
Genome position (GRCh38, 1-based): chr12:49,041,475, G>C on the plus strand (C>G on the coding strand, the complement: KMT2D is on the minus strand). VCF-style: chr12-49041475-G-C. GRCh37 (hg19) VCF-style: chr12-49435258-G-C.
Other names: short protein forms R2099G.
Identifiers: ClinVar variation 3674788 (VCV003674788.2).